The following is an entry in ClinVar:

ClinVar aggregate classification (germline): Likely benign. Review status: criteria provided, multiple submitters, no conflicts (2 of 4 stars). 3 submissions from 3 submitters: Likely benign (2). 1 of the submissions does not count toward it. Last evaluated 2025-06-15.

Conditions:
FEZF1-related disorder. Also called: FEZF1-related condition.

Allele frequency attached by ClinVar (database versions not stated): ExAC 0.00058; 1000 Genomes Project 0.00080; ESP Exome Variant Server 0.00008; gnomAD exomes 0.00032 and 0.00057; TOPMed 0.00007; gnomAD 0.00015 and 0.00006; 1000 Genomes Project 30x 0.00094.
gnomAD v4.1: 489 of 1,614,120 alleles (0.03%); highest among the groups gnomAD compares: South Asian, 0.42%; 7 homozygotes.

Submissions (3):

Labcorp Genetics (formerly Invitae), Labcorp
Classification: Likely benign. Last evaluated: 2025-06-15. Review status: criteria provided, single submitter. Criteria: Invitae Variant Classification Sherloc (09022015). Collection method: clinical testing. Allele origin: germline.

Breakthrough Genomics
Classification: Likely benign. Review status: criteria provided, single submitter. Criteria: ACMG Guidelines, 2015. Collection method: not provided. Allele origin: germline. Inheritance: Autosomal recessive inheritance. Affected: yes.

PreventionGenetics, part of Exact Sciences
Classification: Likely benign for FEZF1-related condition. Last evaluated: 2024-02-27. Review status: no assertion criteria provided. Collection method: clinical testing. Allele origin: germline. Not counted in ClinVar's aggregate classification.
Comment: This variant is classified as likely benign based on ACMG/AMP sequence variant interpretation guidelines (Richards et al. 2015 PMID: 25741868, with internal and published modifications).

NM_001024613.4(FEZF1):c.553T>C (p.Phe185Leu)

Genes: FEZF1-AS1 (FEZF1 antisense RNA 1; plus strand), FEZF1 (FEZ family zinc finger 1; minus strand). Cytogenetic location: 7q31.32.
Variant type: single nucleotide variant.
Coding change: c.553T>C on transcript NM_001024613.4 (MANE Select); coding-DNA position 553, T replaced by C.
Protein change: p.Phe185Leu; replaces phenylalanine 185 with leucine.
Molecular consequence: missense variant. On other transcripts: non-coding transcript variant (1), intron variant (1).
Genome position (GRCh38, 1-based): chr7:122,303,885, A>G on the plus strand (T>C on the coding strand, the complement: FEZF1 is on the minus strand). VCF-style: chr7-122303885-A-G. GRCh37 (hg19) VCF-style: chr7-121943939-A-G.
Other names: c.430-27T>C (NM_001160264.2); short protein forms F185L.
Identifiers: ClinVar variation 723308 (VCV000723308.8), dbSNP rs370467502, ClinGen allele CA4458973.